The following is an entry in ClinVar:

ClinVar aggregate classification (germline): Uncertain significance. Review status: criteria provided, multiple submitters, no conflicts (2 of 4 stars). 2 submissions from 2 submitters: Uncertain significance (2). Last evaluated 2025-01-13.

Conditions:
Inborn genetic diseases. Identifiers: MedGen C0950123, MeSH D030342.
Cerebral cavernous malformation (CCM). Also called: CAVERNOUS ANGIOMA, FAMILIAL; CAVERNOUS ANGIOMATOUS MALFORMATIONS; CEREBRAL CAPILLARY MALFORMATIONS; Cavernous Hemangioma of Brain; Cerebral cavernous hemangioma (type); Cerebral cavernous malformations. Identifiers: Orphanet 221061, MedGen C2919945, MONDO:0000820, OMIM 116860, HP:0033522.

gnomAD v4.1: 8 of 1,605,672 alleles (0.0005%); highest among the groups gnomAD compares: Non-Finnish European, 0.0006%; no homozygotes.

Submissions (2):

Ambry Genetics
Classification: Uncertain significance for Inborn genetic diseases. Last evaluated: 2025-01-13. Review status: criteria provided, single submitter. Criteria: Ambry Variant Classification Scheme 2023. Collection method: clinical testing. Allele origin: germline.
Comment: The p.S467A variant (also known as c.1399T>G), located in coding exon 10 of the KRIT1 gene, results from a T to G substitution at nucleotide position 1399. The serine at codon 467 is replaced by alanine, an amino acid with similar properties. This amino acid position is conserved. In addition, the in silico prediction for this alteration is inconclusive. Based on the available evidence, the clinical significance of this variant remains unclear.

Department of Pathology and Laboratory Medicine, Sinai Health System
Classification: Uncertain significance for Cerebral cavernous malformation. Last evaluated: 2022-01-31. Review status: criteria provided, single submitter. Criteria: ACMG Guidelines, 2015. Collection method: research. Allele origin: germline.

NM_194454.3(KRIT1):c.1399T>G (p.Ser467Ala)

Gene: KRIT1 (KRIT1 ankyrin repeat containing; minus strand). Cytogenetic location: 7q21.2.
Variant type: single nucleotide variant.
Coding change: c.1399T>G on transcript NM_194454.3 (MANE Select); coding-DNA position 1399, T replaced by G.
Protein change: p.Ser467Ala; replaces serine 467 with alanine.
Molecular consequence: missense variant.
Genome position (GRCh38, 1-based): chr7:92,222,834, A>C on the plus strand (T>G on the coding strand, the complement: KRIT1 is on the minus strand). VCF-style: chr7-92222834-A-C. GRCh37 (hg19) VCF-style: chr7-91852148-A-C.
Other names: c.1255T>G, p.Ser419Ala (NM_001013406.2, NM_001350669.1, NM_001350670.1); c.685T>G, p.Ser229Ala (NM_001350671.1); c.1399T>G, p.Ser467Ala (NM_001350672.1, NM_001350673.1, NM_001350674.1 and 26 more transcripts); short protein forms S229A, S467A, S419A.
Identifiers: ClinVar variation 3865350 (VCV003865350.1).